The following is an entry in ClinVar:

NM_006914.4(RORB):c.463dup (p.Tyr155fs)

Gene: RORB (RAR related orphan receptor B; plus strand). Cytogenetic location: 9q21.13.
Variant type: Duplication.
Coding change: c.463dup on transcript NM_006914.4 (MANE Select); coding-DNA position 463, one base duplicated (T; older notation c.463dupT).
Protein change: p.Tyr155fs; shifts the reading frame from tyrosine 155.
Molecular consequence: frameshift variant.
Genome position (GRCh38, 1-based): chr9:74,642,641, T duplicated; the last of 2 consecutive T bases (chr9:74,642,640-74,642,641); duplicating either gives the same sequence. VCF-style (leftmost placement, unchanged base first): chr9-74642639-G-GT. GRCh37 (hg19) VCF-style: chr9-77257555-G-GT.
Other names: c.496dup, p.Tyr166fs (NM_001365023.1); short protein forms Y166fs, Y155fs.
Identifiers: ClinVar variation 2028548 (VCV002028548.4), dbSNP rs2489583944, ClinGen allele CA2580080561.

ClinVar aggregate classification (germline): Pathogenic (1 of 4 stars; one submission).

Submission:

Labcorp Genetics (formerly Invitae), Labcorp
Classification: Pathogenic. Last evaluated: 2022-10-10. Review status: criteria provided, single submitter. Criteria: Invitae Variant Classification Sherloc (09022015). Collection method: clinical testing. Allele origin: germline.
Comment: For these reasons, this variant has been classified as Pathogenic. This variant has not been reported in the literature in individuals affected with RORB-related conditions. This variant is not present in population databases (gnomAD no frequency). This sequence change creates a premature translational stop signal (p.Tyr155Leufs*12) in the RORB gene. It is expected to result in an absent or disrupted protein product. Loss-of-function variants in RORB are known to be pathogenic (PMID: 27352968).

Literature cited by the submitters: PubMed 27352968.